The following is an entry in ClinVar:

ClinVar aggregate classification (germline): Uncertain significance (1 of 4 stars; one submission).

Conditions:
Gastrointestinal stromal tumor. Also called: Gastrointestinal stromal tumor, somatic; Gastrointestinal stroma tumor. Identifiers: Orphanet 44890, MedGen C0238198, MeSH D046152, MONDO:0011719, OMIM 606764, HP:0100723.

Submission:

Labcorp Genetics (formerly Invitae), Labcorp
Classification: Uncertain significance for Gastrointestinal stromal tumor. Last evaluated: 2024-07-18. Review status: criteria provided, single submitter. Criteria: Invitae Variant Classification Sherloc (09022015). Collection method: clinical testing. Allele origin: germline.
Comment: This sequence change replaces serine, which is neutral and polar, with arginine, which is basic and polar, at codon 322 of the PDGFRA protein (p.Ser322Arg). This variant is not present in population databases (gnomAD no frequency). This variant has not been reported in the literature in individuals affected with PDGFRA-related conditions. Advanced modeling of protein sequence and biophysical properties (such as structural, functional, and spatial information, amino acid conservation, physicochemical variation, residue mobility, and thermodynamic stability) performed at Invitae indicates that this missense variant is not expected to disrupt PDGFRA protein function with a negative predictive value of 80%. In summary, the available evidence is currently insufficient to determine the role of this variant in disease. Therefore, it has been classified as a Variant of Uncertain Significance.

NM_006206.6(PDGFRA):c.966C>A (p.Ser322Arg)

Gene: PDGFRA (platelet derived growth factor receptor alpha; plus strand). Cytogenetic location: 4q12.
Variant type: single nucleotide variant.
Coding change: c.966C>A on transcript NM_006206.6 (MANE Select); coding-DNA position 966, C replaced by A.
Protein change: p.Ser322Arg; replaces serine 322 with arginine.
Molecular consequence: missense variant.
Genome position (GRCh38, 1-based): chr4:54,267,586, C>A. VCF-style: chr4-54267586-C-A. GRCh37 (hg19) VCF-style: chr4-55133753-C-A.
Other names: c.966C>A, p.Ser322Arg (NM_001347827.2, NM_001347829.2); c.1041C>A, p.Ser347Arg (NM_001347828.2); c.1005C>A, p.Ser335Arg (NM_001347830.2); short protein forms S322R, S335R, S347R.
Identifiers: ClinVar variation 3659838 (VCV003659838.2).
Genomic context (GRCh38, chr4:54,267,586, plus strand): 5'-TTTAATGGAAACTCTTCCCTGTACAGAGAAAGGTTTCATTGAAATCAAACCCACCTTCAG[C>A]CAGTTGGAAGCTGTCAACCTGCATGAAGTCAAACATTTTGTTGTAGAGGTGCGGGCCTAC-3'
Protein context (NP_006197.1, residues 312-332): KGFIEIKPTF[Ser322Arg]QLEAVNLHEV